The following is an entry in ClinVar:

NM_000260.4(MYO7A):c.4926G>T (p.Gln1642His)

Gene: MYO7A (myosin VIIA; plus strand). Cytogenetic location: 11q13.5.
Variant type: single nucleotide variant.
Coding change: c.4926G>T on transcript NM_000260.4 (MANE Select); coding-DNA position 4926, G replaced by T.
Protein change: p.Gln1642His; replaces glutamine 1642 with histidine.
Molecular consequence: missense variant.
Genome position (GRCh38, 1-based): chr11:77,201,521, G>T. VCF-style: chr11-77201521-G-T. GRCh37 (hg19) VCF-style: chr11-76912566-G-T.
Other names: c.4812G>T, p.Gln1604His (NM_001127180.2); c.4779G>T, p.Gln1593His (NM_001369365.1); short protein forms Q1593H, Q1604H, Q1642H.
Identifiers: ClinVar variation 4800486 (VCV004800486.1).

ClinVar aggregate classification (germline): Uncertain significance (1 of 4 stars; one submission).

gnomAD v4.1: 1 of 1,613,984 alleles (0.000062%); highest among the groups gnomAD compares: Non-Finnish European, 0.000085%; no homozygotes.

Submission:

Labcorp Genetics (formerly Invitae), Labcorp
Classification: Uncertain significance. Last evaluated: 2025-07-21. Review status: criteria provided, single submitter. Criteria: Invitae Variant Classification Sherloc (09022015). Collection method: clinical testing. Allele origin: germline.
Comment: This sequence change replaces glutamine, which is neutral and polar, with histidine, which is basic and polar, at codon 1642 of the MYO7A protein (p.Gln1642His). This variant is not present in population databases (gnomAD no frequency). This variant has not been reported in the literature in individuals affected with MYO7A-related conditions. Invitae Evidence Modeling of protein sequence and biophysical properties (such as structural, functional, and spatial information, amino acid conservation, physicochemical variation, residue mobility, and thermodynamic stability) indicates that this missense variant is not expected to disrupt MYO7A protein function with a negative predictive value of 95%. In summary, the available evidence is currently insufficient to determine the role of this variant in disease. Therefore, it has been classified as a Variant of Uncertain Significance.